The following is an entry in ClinVar:

ClinVar aggregate classification (germline): Uncertain significance. Review status: criteria provided, multiple submitters, no conflicts (2 of 4 stars). 2 submissions from 2 submitters: Uncertain significance (2). Last evaluated 2024-12-31.

Conditions:
Werner syndrome (WRN). Identifiers: Orphanet 902, MedGen C0043119, MONDO:0010196, OMIM 277700.
Inborn genetic diseases. Identifiers: MedGen C0950123, MeSH D030342.

gnomAD v4.1: 3 of 1,614,010 alleles (0.00019%); highest among the groups gnomAD compares: South Asian, 0.0033%; no homozygotes.

Submissions (2):

Ambry Genetics
Classification: Uncertain significance for Inborn genetic diseases. Last evaluated: 2024-12-31. Review status: criteria provided, single submitter. Criteria: Ambry Variant Classification Scheme 2023. Collection method: clinical testing. Allele origin: germline.

Labcorp Genetics (formerly Invitae), Labcorp
Classification: Uncertain significance for Werner syndrome. Last evaluated: 2022-01-28. Review status: criteria provided, single submitter. Criteria: Invitae Variant Classification Sherloc (09022015). Collection method: clinical testing. Allele origin: germline.
Comment: This sequence change replaces leucine, which is neutral and non-polar, with phenylalanine, which is neutral and non-polar, at codon 1156 of the WRN protein (p.Leu1156Phe). This variant is present in population databases (rs576208057, gnomAD 0.01%). This variant has not been reported in the literature in individuals affected with WRN-related conditions. ClinVar contains an entry for this variant (Variation ID: 663361). Algorithms developed to predict the effect of missense changes on protein structure and function are either unavailable or do not agree on the potential impact of this missense change (SIFT: "Not Available"; PolyPhen-2: "Probably Damaging"; Align-GVGD: "Not Available"). In summary, the available evidence is currently insufficient to determine the role of this variant in disease. Therefore, it has been classified as a Variant of Uncertain Significance.

NM_000553.6(WRN):c.3468A>T (p.Leu1156Phe)

Gene: WRN (WRN RecQ like helicase; plus strand). Cytogenetic location: 8p12.
Variant type: single nucleotide variant.
Coding change: c.3468A>T on transcript NM_000553.6 (MANE Select); coding-DNA position 3468, A replaced by T.
Protein change: p.Leu1156Phe; replaces leucine 1156 with phenylalanine.
Molecular consequence: missense variant.
Genome position (GRCh38, 1-based): chr8:31,147,372, A>T. VCF-style: chr8-31147372-A-T. GRCh37 (hg19) VCF-style: chr8-31004888-A-T.
Other names: short protein forms L1156F.
Identifiers: ClinVar variation 663361 (VCV000663361.4), dbSNP rs576208057, ClinGen allele CA174905064.